The following is an entry in ClinVar:

ClinVar aggregate classification (germline): Uncertain significance (1 of 4 stars; one submission).

Conditions:
Hereditary cancer-predisposing syndrome. Also called: Hereditary neoplastic syndrome; Neoplastic Syndromes, Hereditary; Tumor predisposition; Hereditary Cancer Syndrome. Identifiers: Orphanet 140162, MedGen C0027672, MeSH D009386, MONDO:0015356.

Submission:

Ambry Genetics
Classification: Uncertain significance for Hereditary cancer-predisposing syndrome. Last evaluated: 2025-06-22. Review status: criteria provided, single submitter. Criteria: Ambry Variant Classification Scheme 2023. Collection method: clinical testing. Allele origin: germline.
Comment: The p.L743V variant (also known as c.2227C>G), located in coding exon 13 of the PMS2 gene, results from a C to G substitution at nucleotide position 2227. The leucine at codon 743 is replaced by valine, an amino acid with highly similar properties. This amino acid position is conserved. In addition, this alteration is predicted to be tolerated by in silico analysis. Based on the available evidence, the clinical significance of this variant remains unclear.

NM_000535.7(PMS2):c.2227C>G (p.Leu743Val)

Gene: PMS2 (PMS1 homolog 2, mismatch repair system component; minus strand). Cytogenetic location: 7p22.1.
Variant type: single nucleotide variant.
Coding change: c.2227C>G on transcript NM_000535.7 (MANE Select); coding-DNA position 2227, C replaced by G.
Protein change: p.Leu743Val; replaces leucine 743 with valine.
Molecular consequence: missense variant. On other transcripts: non-coding transcript variant (1), intron variant (2).
Genome position (GRCh38, 1-based): chr7:5,978,644, G>C on the plus strand (C>G on the coding strand, the complement: PMS2 is on the minus strand). VCF-style: chr7-5978644-G-C. GRCh37 (hg19) VCF-style: chr7-6018275-G-C.
Other names: c.1822C>G, p.Leu608Val (NM_001322003.2, NM_001322004.2, NM_001322005.2 and 14 more transcripts); c.2071C>G, p.Leu691Val (NM_001322006.2, NM_001406870.1); c.1909C>G, p.Leu637Val (NM_001322007.2, NM_001322008.2, NM_001406883.1 and 1 more transcripts); c.1666C>G, p.Leu556Val (NM_001322010.2, NM_001406906.1, NM_001406907.1); c.1294C>G, p.Leu432Val (NM_001322011.2, NM_001322012.2); c.1654C>G, p.Leu552Val (NM_001322013.2, NM_001406909.1, NM_001406908.1); c.2227C>G, p.Leu743Val (NM_001322014.2); c.1918C>G, p.Leu640Val (NM_001322015.2, NM_001406880.1, NM_001406881.1 and 5 more transcripts); and 16 more; short protein forms L621V, L707V, L637V, L687V, L751V, L805V, L342V, L432V.
Identifiers: ClinVar variation 4140477 (VCV004140477.1).